The following is an entry in ClinVar:

ClinVar aggregate classification (germline): Conflicting classifications of pathogenicity. Review status: criteria provided, conflicting classifications (1 of 4 stars). 3 submissions from 3 submitters: Uncertain significance (1); Likely benign (1). 1 of the submissions does not count toward it. Last evaluated 2025-02-10.

Conditions:
RDX-related disorder. Also called: RDX-related condition.

Allele frequency attached by ClinVar (database versions not stated): gnomAD exomes 0.00003 and 0.00012; gnomAD 0.00007; ESP Exome Variant Server 0.00015; ExAC 0.00003; TOPMed 0.00007.
gnomAD v4.1: 184 of 1,579,036 alleles (0.012%); highest among the groups gnomAD compares: Non-Finnish European, 0.015%; no homozygotes.

Submissions (3):

Labcorp Genetics (formerly Invitae), Labcorp
Classification: Likely benign. Last evaluated: 2025-02-10. Review status: criteria provided, single submitter. Criteria: Invitae Variant Classification Sherloc (09022015). Collection method: clinical testing. Allele origin: germline.

Eurofins Ntd Llc (ga)
Classification: Uncertain significance. Last evaluated: 2016-02-12. Review status: criteria provided, single submitter. Criteria: EGL Classification Definitions 2015. Collection method: clinical testing. Allele origin: germline. Observed: 1 variant allele, 1 heterozygote.

PreventionGenetics, part of Exact Sciences
Classification: Likely benign for RDX-related condition. Last evaluated: 2019-09-09. Review status: no assertion criteria provided. Collection method: clinical testing. Allele origin: germline. Not counted in ClinVar's aggregate classification.
Comment: This variant is classified as likely benign based on ACMG/AMP sequence variant interpretation guidelines (Richards et al. 2015 PMID: 25741868, with internal and published modifications).

NM_002906.4(RDX):c.777A>G (p.Pro259=)

Gene: RDX (radixin; minus strand). Cytogenetic location: 11q22.3.
Variant type: single nucleotide variant.
Coding change: c.777A>G on transcript NM_002906.4 (MANE Select); coding-DNA position 777, A replaced by G.
Protein change: p.Pro259=; no amino-acid change (proline 259 retained).
Molecular consequence: synonymous variant. On other transcripts: intron variant (2).
Genome position (GRCh38, 1-based): chr11:110,255,307, T>C on the plus strand (A>G on the coding strand, the complement: RDX is on the minus strand). VCF-style: chr11-110255307-T-C. GRCh37 (hg19) VCF-style: chr11-110126032-T-C.
Other names: c.777A>G, p.Pro259= (NM_001260492.2, NM_001260493.2); c.369A>G, p.Pro123= (NM_001260494.2); c.-82-7474A>G (NM_001260495.2); c.404+2850A>G (NM_001260496.2); c.777A>G (NM_002906.3).
Identifiers: ClinVar variation 286303 (VCV000286303.9), dbSNP rs142773831, ClinGen allele CA6270217.